The following is an entry in ClinVar:

NM_005219.5(DIAPH1):c.*1557C>T

Gene: DIAPH1 (diaphanous related formin 1; minus strand). Cytogenetic location: 5q31.3.
Variant type: single nucleotide variant.
Coding change: c.*1557C>T on transcript NM_005219.5 (MANE Select); 1557 bases downstream of the stop codon, C replaced by T.
Molecular consequence: 3 prime UTR variant.
Genome position (GRCh38, 1-based): chr5:141,515,294, G>A on the plus strand (C>T on the coding strand, the complement: DIAPH1 is on the minus strand). VCF-style: chr5-141515294-G-A. GRCh37 (hg19) VCF-style: chr5-140894861-G-A.
Other names: c.*1557C>T (NM_001079812.3); c.*1676C>T (NM_001314007.2).
Identifiers: ClinVar variation 351260 (VCV000351260.5), dbSNP rs566532178, ClinGen allele CA10622886.
Genomic context (GRCh38, chr5:141,515,294, plus strand): 5'-ACCCAGGGGAGCAACAGACGCCCTGCATCAGAGTCCTCCCAGGAATAGTCCAAAGGAGCT[G>A]CTCTTGCCCCTTTATACACAAGCGCCAGCAACCAAAACCCTCCCTCCTGGCAATAAGGCC-3'

ClinVar aggregate classification (germline): Likely benign (1 of 4 stars; one submission).

Conditions:
Autosomal dominant nonsyndromic hearing loss 1. Also called: KONIGSMARK SYNDROME; DEAFNESS, AUTOSOMAL DOMINANT 1, WITH OR WITHOUT THROMBOCYTOPENIA. Identifiers: Orphanet 90635, MedGen C1852282, MONDO:0007424, OMIM 124900.

Allele frequency attached by ClinVar (database versions not stated): gnomAD 0.00090 and 0.00094; TOPMed 0.00093; 1000 Genomes Project 30x 0.00125; 1000 Genomes Project 0.00140.

Submission:

Illumina Laboratory Services, Illumina
Classification: Likely benign for Autosomal dominant nonsyndromic hearing loss 1. Last evaluated: 2018-01-12. Review status: criteria provided, single submitter. Criteria: ICSL Variant Classification Criteria 13 December 2019. Collection method: clinical testing. Allele origin: germline.
Comment: This variant was observed in the ICSL laboratory as part of a predisposition screen in an ostensibly healthy population. It had not been previously curated by ICSL or reported in the Human Gene Mutation Database (HGMD: prior to June 1st, 2018), and was therefore a candidate for classification through an automated scoring system. Utilizing variant allele frequency, disease prevalence and penetrance estimates, and inheritance mode, an automated score was calculated to assess if this variant is too frequent to cause the disease. Based on the score and internal cut-off values, a variant classified as likely benign is not then subjected to further curation. The score for this variant resulted in a classification of likely benign for this disease.